The following is an entry in ClinVar:

NM_022124.6(CDH23):c.4625G>C (p.Gly1542Ala)

Gene: CDH23 (cadherin related 23; plus strand). Cytogenetic location: 10q22.1.
Variant type: single nucleotide variant.
Coding change: c.4625G>C on transcript NM_022124.6 (MANE Select); coding-DNA position 4625, G replaced by C.
Protein change: p.Gly1542Ala; replaces glycine 1542 with alanine.
Molecular consequence: missense variant.
Genome position (GRCh38, 1-based): chr10:71,741,701, G>C. VCF-style: chr10-71741701-G-C. GRCh37 (hg19) VCF-style: chr10-73501458-G-C.
Other names: short protein forms G1542A.
Identifiers: ClinVar variation 2177984 (VCV002177984.2), dbSNP rs781339262, ClinGen allele CA5545116.

ClinVar aggregate classification (germline): Uncertain significance. Review status: criteria provided, multiple submitters, no conflicts (2 of 4 stars). 2 submissions from 2 submitters: Uncertain significance (2). Last evaluated 2024-04-09.

gnomAD v4.1: 9 of 1,608,182 alleles (0.00056%); highest among the groups gnomAD compares: African/African-American, 0.0013%; no homozygotes.

Submissions (2):

Blueprint Genetics
Classification: Uncertain significance. Last evaluated: 2024-04-09. Review status: criteria provided, single submitter. Criteria: ACMG Guidelines, 2015. Collection method: clinical testing. Allele origin: germline.

Labcorp Genetics (formerly Invitae), Labcorp
Classification: Uncertain significance. Last evaluated: 2021-09-01. Review status: criteria provided, single submitter. Criteria: Invitae Variant Classification Sherloc (09022015). Collection method: clinical testing. Allele origin: germline.
Comment: This sequence change replaces glycine with alanine at codon 1542 of the CDH23 protein (p.Gly1542Ala). The glycine residue is highly conserved and there is a small physicochemical difference between glycine and alanine. The frequency data for this variant in the population databases is considered unreliable, as metrics indicate poor data quality at this position in the ExAC database. This variant has not been reported in the literature in individuals affected with CDH23-related conditions. Algorithms developed to predict the effect of missense changes on protein structure and function are either unavailable or do not agree on the potential impact of this missense change (SIFT: "Deleterious"; PolyPhen-2: "Not Available"; Align-GVGD: "Class C55"). In summary, the available evidence is currently insufficient to determine the role of this variant in disease. Therefore, it has been classified as a Variant of Uncertain Significance.